The following is an entry in ClinVar:

ClinVar aggregate classification (germline): Uncertain significance (1 of 4 stars; one submission).

Conditions:
Ectodermal dysplasia and immunodeficiency 2. Identifiers: Orphanet 238468, Orphanet 98813, MedGen C2677481, MONDO:0012806, OMIM 612132.

Submission:

Labcorp Genetics (formerly Invitae), Labcorp
Classification: Uncertain significance for Ectodermal dysplasia and immunodeficiency 2. Last evaluated: 2023-12-11. Review status: criteria provided, single submitter. Criteria: Invitae Variant Classification Sherloc (09022015). Collection method: clinical testing. Allele origin: germline.
Comment: This sequence change replaces aspartic acid, which is acidic and polar, with glutamic acid, which is acidic and polar, at codon 231 of the NFKBIA protein (p.Asp231Glu). This variant is not present in population databases (gnomAD no frequency). This variant has not been reported in the literature in individuals affected with NFKBIA-related conditions. Algorithms developed to predict the effect of missense changes on protein structure and function output the following: SIFT: "Not Available"; PolyPhen-2: "Benign"; Align-GVGD: "Not Available". The glutamic acid amino acid residue is found in multiple mammalian species, which suggests that this missense change does not adversely affect protein function. In summary, the available evidence is currently insufficient to determine the role of this variant in disease. Therefore, it has been classified as a Variant of Uncertain Significance.

NM_020529.3(NFKBIA):c.693C>A (p.Asp231Glu)

Gene: NFKBIA (NFKB inhibitor alpha; minus strand). Cytogenetic location: 14q13.2.
Variant type: single nucleotide variant.
Coding change: c.693C>A on transcript NM_020529.3 (MANE Select); coding-DNA position 693, C replaced by A.
Protein change: p.Asp231Glu; replaces aspartic acid 231 with glutamic acid.
Molecular consequence: missense variant.
Genome position (GRCh38, 1-based): chr14:35,402,607, G>T on the plus strand (C>A on the coding strand, the complement: NFKBIA is on the minus strand). VCF-style: chr14-35402607-G-T. GRCh37 (hg19) VCF-style: chr14-35871813-G-T.
Other names: short protein forms D231E.
Identifiers: ClinVar variation 2752019 (VCV002752019.3), dbSNP rs757228861, ClinGen allele CA389452306.
Genomic context (GRCh38, chr14:35,402,607, plus strand): 5'-ATAGCCCTGGTAGGTAACTCTGTTGACATCAGCCCCACACTTCAACAGGAGTGACACCAG[G>T]TCAGGATTTTGCAGGTCCACTGCGAGGTGAAGGGCAGTCCGGCCATTACAGGGCTCCTGA-3'
Protein context (NP_065390.1, residues 221-241): LHLAVDLQNP[Asp231Glu]LVSLLLKCGA